The following is an entry in ClinVar:

NM_000053.4(ATP7B):c.951_982dup (p.Pro328fs)

Gene: ATP7B (ATPase copper transporting beta; minus strand). Cytogenetic location: 13q14.3.
Variant type: Duplication.
Coding change: c.951_982dup on transcript NM_000053.4 (MANE Select); coding-DNA positions 951 to 982, 32 bases duplicated.
Protein change: p.Pro328fs; shifts the reading frame from proline 328.
Molecular consequence: frameshift variant. On other transcripts: intron variant (1).
Genome position (GRCh38, 1-based): chr13:51,974,238-51,974,269, 32 bases duplicated; duplicating any 32 consecutive bases within chr13:51,974,238-51,974,270 gives the same sequence; the c. name uses the placement nearest the transcript's 3' end. GRCh37 (hg19): chr13:52,548,375-52,548,406.
Other names: c.951_982dup, p.Pro328fs (NM_001005918.3, NM_001330578.2, NM_001330579.2); c.802+149_803-154dup (NM_001243182.2); short protein forms P328fs.
Identifiers: ClinVar variation 1455515 (VCV001455515.6), dbSNP rs2140080841, ClinGen allele CA2573149669.

ClinVar aggregate classification (germline): Pathogenic (1 of 4 stars; one submission).

Conditions:
Wilson disease (WND). Also called: Wilson's disease. Identifiers: Orphanet 905, MedGen C0019202, MONDO:0010200, OMIM 277900. Disease mechanism: loss of function.

Submission:

Labcorp Genetics (formerly Invitae), Labcorp
Classification: Pathogenic for Wilson disease. Last evaluated: 2021-10-15. Review status: criteria provided, single submitter. Criteria: Invitae Variant Classification Sherloc (09022015). Collection method: clinical testing. Allele origin: germline.
Comment: This sequence change creates a premature translational stop signal (p.Pro328Hisfs*46) in the ATP7B gene. It is expected to result in an absent or disrupted protein product. Loss-of-function variants in ATP7B are known to be pathogenic (PMID: 10441329, 16283883). This variant is not present in population databases (ExAC no frequency). This variant has not been reported in the literature in individuals affected with ATP7B-related conditions. Algorithms developed to predict the effect of sequence changes on RNA splicing suggest that this variant may create or strengthen a splice site. For these reasons, this variant has been classified as Pathogenic.

Literature cited by the submitters: PubMed 10441329; PubMed 16283883.